The following is an entry in ClinVar:

ClinVar aggregate classification (germline): Pathogenic. Review status: criteria provided, single submitter (1 of 4 stars). 3 submissions from 3 submitters: Pathogenic (1). 2 of the submissions do not count toward it. Last evaluated 2025-03-19.

Conditions:
Alternating hemiplegia of childhood 2 (AHC2). Also called: Alternating Hemiplegia of Childhood (AHC). Identifiers: Orphanet 2131, MedGen C3553788, MONDO:0013900, OMIM 614820.
Dystonia 12 (DYT12). Also called: Rapid-Onset Dystonia-Parkinsonism (RDP); DYT-ATP1A3. Identifiers: Orphanet 71517, MedGen C1868681, MONDO:0007496, OMIM 128235.

Submissions (3):

Labcorp Genetics (formerly Invitae), Labcorp
Classification: Pathogenic for Dystonia 12. Last evaluated: 2025-03-19. Review status: criteria provided, single submitter. Criteria: Invitae Variant Classification Sherloc (09022015). Collection method: clinical testing. Allele origin: germline.
Comment: This sequence change replaces glycine, which is neutral and non-polar, with arginine, which is basic and polar, at codon 947 of the ATP1A3 protein (p.Gly947Arg). This variant is not present in population databases (gnomAD no frequency). This missense change has been observed in individual(s) with alternating hemiplegia of childhood (PMID: 22842232). In at least one individual the variant was observed to be de novo. ClinVar contains an entry for this variant (Variation ID: 139579). Invitae Evidence Modeling of protein sequence and biophysical properties (such as structural, functional, and spatial information, amino acid conservation, physicochemical variation, residue mobility, and thermodynamic stability) indicates that this missense variant is expected to disrupt ATP1A3 protein function with a positive predictive value of 95%. Experimental studies have shown that this missense change affects ATP1A3 function (PMID: 24631656). This variant disrupts the p.Gly947 amino acid residue in ATP1A3. Other variant(s) that disrupt this residue have been determined to be pathogenic (internal data). This suggests that this residue is clinically significant, and that variants that disrupt this residue are likely to be disease-causing. For these reasons, this variant has been classified as Pathogenic.

OMIM
Classification: Pathogenic for ALTERNATING HEMIPLEGIA OF CHILDHOOD 2. Last evaluated: 2014-01-01. Review status: no assertion criteria provided. Collection method: literature only. Allele origin: germline. Not counted in ClinVar's aggregate classification.

GeneReviews
No classification provided. Condition: Dystonia 12. Review status: no classification provided. Collection method: literature only. Allele origin: germline. Not counted in ClinVar's aggregate classification.

Literature cited by the submitters: PubMed 22842232 (cited by Labcorp Genetics (formerly Invitae), Labcorp); PubMed 24631656 (cited by Labcorp Genetics (formerly Invitae), Labcorp); PubMed 24842602 (cited by OMIM); NCBI Bookshelf NBK1115 (cited by GeneReviews).

NM_152296.5(ATP1A3):c.2839G>C (p.Gly947Arg)

Gene: ATP1A3 (ATPase Na+/K+ transporting subunit alpha 3; minus strand). Cytogenetic location: 19q13.2.
Variant type: single nucleotide variant.
Coding change: c.2839G>C on transcript NM_152296.5 (MANE Select); coding-DNA position 2839, G replaced by C.
Protein change: p.Gly947Arg; replaces glycine 947 with arginine.
Molecular consequence: missense variant.
Genome position (GRCh38, 1-based): chr19:41,967,744, C>G on the plus strand (G>C on the coding strand, the complement: ATP1A3 is on the minus strand). VCF-style: chr19-41967744-C-G. GRCh37 (hg19) VCF-style: chr19-42471896-C-G.
Other names: ATP1A3, NT2839G-C, GLY947ARG; c.2872G>C, p.Gly958Arg (NM_001256213.2); c.2878G>C, p.Gly960Arg (NM_001256214.2); short protein forms G947R, G958R, G960R.
Identifiers: ClinVar variation 139579 (VCV000139579.11), dbSNP rs398122887, ClinGen allele CA345685.